The following is an entry in ClinVar:

NM_002473.6(MYH9):c.1728+7A>G

Gene: MYH9 (myosin heavy chain 9; minus strand). Cytogenetic location: 22q12.3.
Variant type: single nucleotide variant.
Coding change: c.1728+7A>G on transcript NM_002473.6 (MANE Select); 7 bases into the intron after coding-DNA position 1728, A replaced by G.
Molecular consequence: intron variant.
Genome position (GRCh38, 1-based): chr22:36,312,042, T>C on the plus strand (A>G on the coding strand, the complement: MYH9 is on the minus strand). VCF-style: chr22-36312042-T-C. GRCh37 (hg19) VCF-style: chr22-36708087-T-C.
Identifiers: ClinVar variation 741241 (VCV000741241.11), dbSNP rs201942027, ClinGen allele CA10210227.

ClinVar aggregate classification (germline): Conflicting classifications of pathogenicity. Review status: criteria provided, conflicting classifications (1 of 4 stars). 4 submissions from 3 submitters: Uncertain significance (1); Likely benign (3). Last evaluated 2026-02-01.

Conditions:
MYH9-related disorder. Identifiers: MedGen C1854520.
Autosomal dominant nonsyndromic hearing loss 17. Also called: Deafness, autosomal dominant 17; Autosomal dominant nonsyndromic deafness 17. Identifiers: Orphanet 90635, MedGen C1863659, MONDO:0011350, OMIM 603622.

Allele frequency attached by ClinVar (database versions not stated): ExAC 0.00002; gnomAD 0.00003 and 0.00004; gnomAD exomes 0.00004 and 0.00006; TOPMed 0.00006.
gnomAD v4.1: 92 of 1,613,676 alleles (0.0057%); highest among the groups gnomAD compares: Non-Finnish European, 0.0075%; no homozygotes.

Submissions (4):

Labcorp Genetics (formerly Invitae), Labcorp
Classification: Likely benign. Last evaluated: 2026-02-01. Review status: criteria provided, single submitter. Criteria: Invitae Variant Classification Sherloc (09022015). Collection method: clinical testing. Allele origin: germline.

Blueprint Genetics
Classification: Likely benign. Last evaluated: 2024-03-25. Review status: criteria provided, single submitter. Criteria: ACMG Guidelines, 2015. Collection method: clinical testing. Allele origin: germline.

Illumina Laboratory Services, Illumina
Classification: Uncertain significance for Autosomal dominant nonsyndromic hearing loss 17. Last evaluated: 2018-01-12. Review status: criteria provided, single submitter. Criteria: ICSL Variant Classification Criteria 13 December 2019. Collection method: clinical testing. Allele origin: germline.

Illumina Laboratory Services, Illumina
Classification: Likely benign for MYH9-related disorder. Last evaluated: 2018-01-12. Review status: criteria provided, single submitter. Criteria: ICSL Variant Classification Criteria 13 December 2019. Collection method: clinical testing. Allele origin: germline.
Comment: This variant was observed in the ICSL laboratory as part of a predisposition screen in an ostensibly healthy population. It had not been previously curated by ICSL or reported in the Human Gene Mutation Database (HGMD: prior to June 1st, 2018), and was therefore a candidate for classification through an automated scoring system. Utilizing variant allele frequency, disease prevalence and penetrance estimates, and inheritance mode, an automated score was calculated to assess if this variant is too frequent to cause the disease. Based on the score and internal cut-off values, a variant classified as likely benign is not then subjected to further curation. The score for this variant resulted in a classification of likely benign for this disease.